The following is an entry in ClinVar:

ClinVar aggregate classification (germline): Uncertain significance (1 of 4 stars; one submission).

Conditions:
Primary dilated cardiomyopathy (DCM). Also called: Dilated Cardiomyopathy. Identifiers: Orphanet 217604, MedGen C0007193, MeSH D002311, MONDO:0005021, HP:0001644. Inheritance: Various modes of inheritance.
Hypertrophic cardiomyopathy. Also called: HYPERTROPHIC MYOCARDIOPATHY. Identifiers: Orphanet 217569, MedGen C0007194, MeSH D002312, MONDO:0005045, HP:0001639.

Allele frequency attached by ClinVar (database versions not stated): gnomAD exomes below 0.00001 and 0.00001; TOPMed below 0.00001; gnomAD 0.00001.
gnomAD v4.1: 5 of 1,613,644 alleles (0.00031%); highest among the groups gnomAD compares: Middle Eastern, 0.016%; no homozygotes.

Submission:

Labcorp Genetics (formerly Invitae), Labcorp
Classification: Uncertain significance for Hypertrophic cardiomyopathy; Primary dilated cardiomyopathy. Last evaluated: 2024-05-15. Review status: criteria provided, single submitter. Criteria: Invitae Variant Classification Sherloc (09022015). Collection method: clinical testing. Allele origin: germline.
Comment: This sequence change replaces valine, which is neutral and non-polar, with leucine, which is neutral and non-polar, at codon 255 of the PDLIM3 protein (p.Val255Leu). This variant is present in population databases (no rsID available, gnomAD 0.002%). This variant has not been reported in the literature in individuals affected with PDLIM3-related conditions. ClinVar contains an entry for this variant (Variation ID: 1494491). Advanced modeling of protein sequence and biophysical properties (such as structural, functional, and spatial information, amino acid conservation, physicochemical variation, residue mobility, and thermodynamic stability) performed at Invitae indicates that this missense variant is not expected to disrupt PDLIM3 protein function with a negative predictive value of 80%. In summary, the available evidence is currently insufficient to determine the role of this variant in disease. Therefore, it has been classified as a Variant of Uncertain Significance.

NM_014476.6(PDLIM3):c.763G>C (p.Val255Leu)

Gene: PDLIM3 (PDZ and LIM domain 3; minus strand). Cytogenetic location: 4q35.1.
Variant type: single nucleotide variant.
Coding change: c.763G>C on transcript NM_014476.6 (MANE Select); coding-DNA position 763, G replaced by C.
Protein change: p.Val255Leu; replaces valine 255 with leucine.
Molecular consequence: missense variant. On other transcripts: non-coding transcript variant (1).
Genome position (GRCh38, 1-based): chr4:185,506,552, C>G on the plus strand (G>C on the coding strand, the complement: PDLIM3 is on the minus strand). VCF-style: chr4-185506552-C-G. GRCh37 (hg19) VCF-style: chr4-186427706-C-G.
Other names: c.619G>C, p.Val207Leu (NM_001114107.5); c.499G>C, p.Val167Leu (NM_001257962.2); c.262G>C, p.Val88Leu (NM_001257963.2); short protein forms V207L, V167L, V255L, V88L.
Identifiers: ClinVar variation 1494491 (VCV001494491.8), dbSNP rs1254946691, ClinGen allele CA358922571.